The following is an entry in ClinVar:

NM_012470.4(TNPO3):c.2519C>A (p.Thr840Asn)

Gene: TNPO3 (transportin 3; minus strand). Cytogenetic location: 7q32.1.
Variant type: single nucleotide variant.
Coding change: c.2519C>A on transcript NM_012470.4 (MANE Select); coding-DNA position 2519, C replaced by A.
Protein change: p.Thr840Asn; replaces threonine 840 with asparagine.
Molecular consequence: missense variant. On other transcripts: non-coding transcript variant (18).
Genome position (GRCh38, 1-based): chr7:128,970,227, G>T on the plus strand (C>A on the coding strand, the complement: TNPO3 is on the minus strand). VCF-style: chr7-128970227-G-T. GRCh37 (hg19) VCF-style: chr7-128610281-G-T.
Other names: c.2327C>A, p.Thr776Asn (NM_001191028.3, NM_001382223.1); c.2621C>A, p.Thr874Asn (NM_001382216.1); c.2600C>A, p.Thr867Asn (NM_001382217.1); c.2519C>A, p.Thr840Asn (NM_001382218.1); c.2411C>A, p.Thr804Asn (NM_001382219.1); c.2378C>A, p.Thr793Asn (NM_001382220.1); c.2375C>A, p.Thr792Asn (NM_001382221.1); c.2372C>A, p.Thr791Asn (NM_001382222.1); short protein forms T840N, T776N, T791N, T792N, T793N, T804N, T867N, T874N.
Identifiers: ClinVar variation 850974 (VCV000850974.8), dbSNP rs1344658136, ClinGen allele CA369252018.

ClinVar aggregate classification (germline): Uncertain significance (1 of 4 stars; one submission).

Conditions:
Autosomal dominant limb-girdle muscular dystrophy type 1F (LGMDD2). Also called: MUSCULAR DYSTROPHY, LIMB-GIRDLE, AUTOSOMAL DOMINANT 2; Limb-girdle muscular dystrophy, type 1F. Identifiers: Orphanet 55595, MedGen C1842062, MONDO:0012034, OMIM 608423.

Allele frequency attached by ClinVar (database versions not stated): gnomAD exomes below 0.00001 and 0.00001.
gnomAD v4.1: 3 of 1,614,146 alleles (0.00019%); highest among the groups gnomAD compares: Admixed American, 0.0033%; no homozygotes.

Submission:

Labcorp Genetics (formerly Invitae), Labcorp
Classification: Uncertain significance for Autosomal dominant limb-girdle muscular dystrophy type 1F. Last evaluated: 2022-08-31. Review status: criteria provided, single submitter. Criteria: Invitae Variant Classification Sherloc (09022015). Collection method: clinical testing. Allele origin: germline.
Comment: This variant has not been reported in the literature in individuals affected with TNPO3-related conditions. This variant is present in population databases (no rsID available, gnomAD 0.006%). This sequence change replaces threonine, which is neutral and polar, with asparagine, which is neutral and polar, at codon 840 of the TNPO3 protein (p.Thr840Asn). ClinVar contains an entry for this variant (Variation ID: 850974). In summary, the available evidence is currently insufficient to determine the role of this variant in disease. Therefore, it has been classified as a Variant of Uncertain Significance. Algorithms developed to predict the effect of missense changes on protein structure and function (SIFT, PolyPhen-2, Align-GVGD) all suggest that this variant is likely to be tolerated.